The following is an entry in ClinVar:

ClinVar aggregate classification (germline): Uncertain significance (1 of 4 stars; one submission).

Conditions:
Familial thoracic aortic aneurysm and aortic dissection (TAAD). Also called: Thoracic aortic aneurysms and dissections. Identifiers: Orphanet 91387, MedGen C4707243, MONDO:0019625.

Submission:

All of Us Research Program, National Institutes of Health
Classification: Uncertain significance for Familial thoracic aortic aneurysm and aortic dissection. Last evaluated: 2023-03-28. Review status: criteria provided, single submitter. Criteria: ACMG Guidelines, 2015. Collection method: clinical testing. Allele origin: germline. Inheritance: Autosomal dominant inheritance. Observed: 1 variant allele, 1 heterozygote.
Comment: This study involves interpretation of variants in research participants for the purpose of population health screening. Participant phenotype was not available at the time of variant classification. Additional details can be found in publication PMID: 35346344, PMCID: PMC8962531

NM_002474.3(MYH11):c.3634C>T (p.Leu1212Phe)

Gene: MYH11 (myosin heavy chain 11; minus strand). Cytogenetic location: 16p13.11.
Variant type: single nucleotide variant.
Coding change: c.3634C>T on transcript NM_002474.3 (MANE Select); coding-DNA position 3634, C replaced by T.
Protein change: p.Leu1212Phe; replaces leucine 1212 with phenylalanine.
Molecular consequence: missense variant.
Genome position (GRCh38, 1-based): chr16:15,732,581, G>A on the plus strand (C>T on the coding strand, the complement: MYH11 is on the minus strand). VCF-style: chr16-15732581-G-A. GRCh37 (hg19) VCF-style: chr16-15826438-G-A.
Other names: c.3655C>T, p.Leu1219Phe (NM_001040113.2, NM_001040114.2); c.3634C>T, p.Leu1212Phe (NM_022844.3); short protein forms L1212F, L1219F.
Identifiers: ClinVar variation 3069967 (VCV003069967.1), dbSNP rs2506170287, ClinGen allele CA394861005.
Genomic context (GRCh38, chr16:15,732,581, plus strand): 5'-CTCTTATGTGTCATCACCAAAAAGCATCACCAAAAAGCATTACCCTCTTGAACTGCTCAA[G>A]CTGCTCTGTGAGCTCCTCCACCGCCTGTGCGTGTTTCTGCCTCATCTCCTGGACCTGAGC-3'
Protein context (NP_002465.1, residues 1202-1222): AQAVEELTEQ[Leu1212Phe]EQFKRAKANL